The following is an entry in ClinVar:

ClinVar aggregate classification (germline): Uncertain significance. Review status: criteria provided, multiple submitters, no conflicts (2 of 4 stars). 2 submissions from 2 submitters: Uncertain significance (2). Last evaluated 2022-12-01.

Conditions:
Inborn genetic diseases. Identifiers: MedGen C0950123, MeSH D030342.

Allele frequency attached by ClinVar (database versions not stated): ExAC 0.00002; gnomAD exomes 0.00004; ESP Exome Variant Server 0.00008; gnomAD 0.00014 and 0.00015; TOPMed 0.00017.
gnomAD v4.1: 39 of 1,608,616 alleles (0.0024%); highest among the groups gnomAD compares: African/African-American, 0.044%; no homozygotes.

Submissions (2):

Ambry Genetics
Classification: Uncertain significance for Inborn genetic diseases. Last evaluated: 2022-12-01. Review status: criteria provided, single submitter. Criteria: Ambry Variant Classification Scheme 2023. Collection method: clinical testing. Allele origin: germline.

Labcorp Genetics (formerly Invitae), Labcorp
Classification: Uncertain significance. Last evaluated: 2022-06-18. Review status: criteria provided, single submitter. Criteria: Invitae Variant Classification Sherloc (09022015). Collection method: clinical testing. Allele origin: germline.
Comment: This sequence change replaces serine, which is neutral and polar, with arginine, which is basic and polar, at codon 15 of the SLC18A2 protein (p.Ser15Arg). This variant is present in population databases (rs371946127, gnomAD 0.05%). This variant has not been reported in the literature in individuals affected with SLC18A2-related conditions. Algorithms developed to predict the effect of missense changes on protein structure and function output the following: SIFT: "Tolerated"; PolyPhen-2: "Benign"; Align-GVGD: "Class C0". The arginine amino acid residue is found in multiple mammalian species, which suggests that this missense change does not adversely affect protein function. In summary, the available evidence is currently insufficient to determine the role of this variant in disease. Therefore, it has been classified as a Variant of Uncertain Significance.

NM_003054.6(SLC18A2):c.45C>A (p.Ser15Arg)

Genes: SLC18A2 (solute carrier family 18 member A2; plus strand), SLC18A2-AS1 (SLC18A2 antisense RNA 1; minus strand). Cytogenetic location: 10q25.3.
Variant type: single nucleotide variant.
Coding change: c.45C>A on transcript NM_003054.6 (MANE Select); coding-DNA position 45, C replaced by A.
Protein change: p.Ser15Arg; replaces serine 15 with arginine.
Molecular consequence: missense variant.
Genome position (GRCh38, 1-based): chr10:117,241,738, C>A. VCF-style: chr10-117241738-C-A. GRCh37 (hg19) VCF-style: chr10-119001249-C-A.
Other names: c.45C>A (NM_003054.4); short protein forms S15R.
Identifiers: ClinVar variation 1362450 (VCV001362450.4), dbSNP rs371946127, ClinGen allele CA5710165.
Genomic context (GRCh38, chr10:117,241,738, plus strand): 5'-GCGGAGCCCCGGAGCCATGGCCCTGAGCGAGCTGGCGCTGGTCCGCTGGCTGCAGGAGAG[C>A]CGCCGCTCGCGGAAGCTCATCCTGTTCATCGTGTTCCTGGCGCTGCTGCTGGACAACATG-3'
Protein context (NP_003045.2, residues 5-25): ELALVRWLQE[Ser15Arg]RRSRKLILFI